The following is an entry in ClinVar:

ClinVar aggregate classification (germline): Likely benign. Review status: criteria provided, multiple submitters, no conflicts (2 of 4 stars). 3 submissions from 3 submitters: Likely benign (3). Last evaluated 2026-08-01.

gnomAD v4.1: 133 of 1,613,472 alleles (0.0082%); highest among the groups gnomAD compares: Middle Eastern, 0.31%; 1 homozygote.

Submissions (3):

CeGaT Center for Human Genetics Tuebingen
Classification: Likely benign. Last evaluated: 2026-08-01. Review status: criteria provided, single submitter. Criteria: CeGaT Center For Human Genetics Tuebingen Variant Classification Criteria Version 2. Collection method: clinical testing. Allele origin: germline. Affected: yes. Observed: 1 variant allele.
Comment: EPHB4: BP4

Labcorp Genetics (formerly Invitae), Labcorp
Classification: Likely benign. Last evaluated: 2025-11-05. Review status: criteria provided, single submitter. Criteria: Invitae Variant Classification Sherloc (09022015). Collection method: clinical testing. Allele origin: germline.

Blueprint Genetics
Classification: Likely benign. Last evaluated: 2024-04-22. Review status: criteria provided, single submitter. Criteria: ACMG Guidelines, 2015. Collection method: clinical testing. Allele origin: germline.

NM_004444.5(EPHB4):c.1589-4G>A

Gene: EPHB4 (EPH receptor B4; minus strand). Cytogenetic location: 7q22.1.
Variant type: single nucleotide variant.
Coding change: c.1589-4G>A on transcript NM_004444.5 (MANE Select); 4 bases into the intron before coding-DNA position 1589, G replaced by A.
Molecular consequence: intron variant.
Genome position (GRCh38, 1-based): chr7:100,814,025, C>T on the plus strand (G>A on the coding strand, the complement: EPHB4 is on the minus strand). VCF-style: chr7-100814025-C-T. GRCh37 (hg19) VCF-style: chr7-100411647-C-T.
Identifiers: ClinVar variation 4710348 (VCV004710348.3).